The following is an entry in ClinVar:

NM_012064.4(MIP):c.97C>T (p.Arg33Cys)

Gene: MIP (major intrinsic protein of lens fiber; minus strand). Cytogenetic location: 12q13.3.
Variant type: single nucleotide variant.
Coding change: c.97C>T on transcript NM_012064.4 (MANE Select); coding-DNA position 97, C replaced by T.
Protein change: p.Arg33Cys; replaces arginine 33 with cysteine.
Molecular consequence: missense variant.
Genome position (GRCh38, 1-based): chr12:56,454,517, G>A on the plus strand (C>T on the coding strand, the complement: MIP is on the minus strand). VCF-style: chr12-56454517-G-A. GRCh37 (hg19) VCF-style: chr12-56848301-G-A.
Other names: short protein forms R33C.
Identifiers: ClinVar variation 217342 (VCV000217342.12), dbSNP rs864309693, ClinGen allele CA278813.

ClinVar aggregate classification (germline): Pathogenic/Likely pathogenic. Review status: criteria provided, multiple submitters, no conflicts (2 of 4 stars). 5 submissions from 5 submitters: Pathogenic (3); Likely pathogenic (1). 1 of the submissions does not count toward it. Last evaluated 2026-04-01.

Conditions:
Cataract 15 multiple types. Also called: CATARACT 15, LAMELLAR WITH SUTURAL OPACITIES. Identifiers: Orphanet 91492, MedGen C3809001, MONDO:0014110, OMIM 615274.
Developmental cataract. Also called: Congenital cataract; Bilateral cataracts; Congenital cataracts. Identifiers: MedGen C0009691, HP:0000519.
Persistent hyperplastic primary vitreous. Also called: Remnants of the hyaloid vascular system. Identifiers: Orphanet 91495, MedGen C0266568, MONDO:0019631, HP:0007968.

Submissions (5):

Molecular Medicine, University of Pavia
Classification: Likely pathogenic for Cataract 15 multiple types. Last evaluated: 2026-04-01. Review status: criteria provided, single submitter. Criteria: ACMG Guidelines, 2015. Collection method: research. Allele origin: de novo. Affected: yes. Observed: 1 variant allele.
Comment: The NM_012064.4:c.97C>T, is a missense variant in MIP that substitutes the Arginine 33 into a Cysteine. This variant has an extremely low frequency in the GnomAD database (4.1.0) and it has been previously reported 3 times in ClinVar (VCV000217342.10) and in 16 publications. In summary, this variant meets criteria to be classified as likely pathogenic based on the ACMG/AMP criteria applied: PS4, PS3_supp, PM6, PM2_supp, PP3

3billion
Classification: Pathogenic for Cataract 15 multiple types. Last evaluated: 2025-07-02. Review status: criteria provided, single submitter. Criteria: ACMG Guidelines, 2015. Collection method: clinical testing. Allele origin: germline. Affected: yes.
Comment: The variant is observed at an extremely low frequency in the gnomAD v4.1.0 dataset (total allele frequency: <0.001%). Predicted Consequence/Location: Missense variant In silico tool predictions suggest damaging effect of the variant on gene or gene product [REVEL: 0.76 (>=0.6, sensitivity 0.68 and specificity 0.92)]. The same nucleotide change resulting in the same amino acid change has been previously reported as pathogenic/likely pathogenic with strong evidence (ClinVar ID: VCV000217342 /PMID: 17893667). The variant has been previously reported as assumed (i.e. paternity and maternity not confirmed) de novo in at least one similarly affected unrelated individual (PMID: 17893667, 26694549). The variant has been reported to co-segregate with the disease in at least 3 similarly affected relatives/individuals in the same family or similarly affected unrelated families (PMID: 29770612). Therefore, this variant is classified as Pathogenic according to the recommendation of ACMG/AMP guideline.

Labcorp Genetics (formerly Invitae), Labcorp
Classification: Pathogenic for Cataract 15 multiple types. Last evaluated: 2025-03-19. Review status: criteria provided, single submitter. Criteria: Invitae Variant Classification Sherloc (09022015). Collection method: clinical testing. Allele origin: germline.
Comment: This sequence change replaces arginine, which is basic and polar, with cysteine, which is neutral and slightly polar, at codon 33 of the MIP protein (p.Arg33Cys). This variant is not present in population databases (gnomAD no frequency). This missense change has been observed in individual(s) with congenital cataracts (PMID: 26694549, 29770612). In at least one individual the variant was observed to be de novo. It has also been observed to segregate with disease in related individuals. ClinVar contains an entry for this variant (Variation ID: 217342). Invitae Evidence Modeling of protein sequence and biophysical properties (such as structural, functional, and spatial information, amino acid conservation, physicochemical variation, residue mobility, and thermodynamic stability) indicates that this missense variant is not expected to disrupt MIP protein function with a negative predictive value of 80%. Experimental studies have shown that this missense change affects MIP function (PMID: 24120416). For these reasons, this variant has been classified as Pathogenic.

Genetics Department, University Hospital of Toulouse
Classification: Pathogenic for Persistent hyperplastic primary vitreous. Last evaluated: 2023-01-17. Review status: criteria provided, single submitter. Criteria: ACMG Guidelines, 2015. Collection method: clinical testing. Allele origin: germline. Affected: yes.

Eye Genetics Research Group, Children's Medical Research Institute
Classification: Pathogenic for Developmental cataract. Last evaluated: 2015-01-09. Review status: no assertion criteria provided. Collection method: research. Allele origin: de novo. Affected: yes. Not counted in ClinVar's aggregate classification.

Literature cited by the submitters: PubMed 17893667 (cited by 3billion); PubMed 26694549 (cited by 3 submitters); PubMed 29770612 (cited by 3billion and Labcorp Genetics (formerly Invitae), Labcorp); PubMed 24120416 (cited by Labcorp Genetics (formerly Invitae), Labcorp and Genetics Department, University Hospital of Toulouse).